The following is an entry in ClinVar:

NM_014855.3(AP5Z1):c.1322G>A (p.Trp441Ter)

Gene: AP5Z1 (adaptor related protein complex 5 subunit zeta 1; plus strand). Cytogenetic location: 7p22.1.
Variant type: single nucleotide variant.
Coding change: c.1322G>A on transcript NM_014855.3 (MANE Select); coding-DNA position 1322, G replaced by A.
Protein change: p.Trp441Ter; replaces tryptophan 441 with a stop codon.
Molecular consequence: nonsense. On other transcripts: non-coding transcript variant (1).
Genome position (GRCh38, 1-based): chr7:4,787,644, G>A. VCF-style: chr7-4787644-G-A. GRCh37 (hg19) VCF-style: chr7-4827275-G-A.
Other names: AP5Z1, TRP441TER (rs373919408); c.854G>A, p.Trp285Ter (NM_001364858.1); c.1322G>A, p.Trp441Ter (LRG_1247t1); short protein forms W441*, W285*.
Identifiers: ClinVar variation 375313 (VCV000375313.38), dbSNP rs373919408, ClinGen allele CA4137764.

ClinVar aggregate classification (germline): Pathogenic/Likely pathogenic. Review status: criteria provided, multiple submitters, no conflicts (2 of 4 stars). 7 submissions from 7 submitters: Pathogenic (5); Likely pathogenic (1). 1 of the submissions does not count toward it. Last evaluated 2026-02-01.

Conditions:
Hereditary spastic paraplegia. Also called: Familial spastic paraparesis. Identifiers: Orphanet 685, MedGen C0037773, MONDO:0019064. Disease mechanism: loss of function.
Hereditary spastic paraplegia 48. Also called: Spastic paraplegia 48; SPASTIC PARAPLEGIA 48, AUTOSOMAL RECESSIVE. Identifiers: Orphanet 306511, MedGen C3150901, MONDO:0013342, OMIM 613647.
AP5Z1-related disorder. Also called: AP5Z1-related condition.

Allele frequency attached by ClinVar (database versions not stated): gnomAD exomes 0.00005; ESP Exome Variant Server 0.00008; TOPMed 0.00008; gnomAD 0.00009; ExAC 0.00010.
gnomAD v4.1: 138 of 1,552,372 alleles (0.0089%); highest among the groups gnomAD compares: Middle Eastern, 0.069%; no homozygotes.

Submissions (7):

CeGaT Center for Human Genetics Tuebingen
Classification: Pathogenic. Last evaluated: 2026-02-01. Review status: criteria provided, single submitter. Criteria: CeGaT Center For Human Genetics Tuebingen Variant Classification Criteria Version 2. Collection method: clinical testing. Allele origin: germline. Affected: yes. Observed: 2 variant alleles.
Comment: AP5Z1: PVS1, PM2, PM3

First Genomix Gene Laboratory, Genetic Diagnostics Department
Classification: Pathogenic for Hereditary spastic paraplegia 48. Last evaluated: 2025-04-30. Review status: criteria provided, single submitter. Criteria: ACMG Guidelines, 2015. Collection method: clinical testing. Allele origin: germline. Inheritance: Autosomal recessive inheritance. Affected: no. Observed: 1 variant allele.

Labcorp Genetics (formerly Invitae), Labcorp
Classification: Pathogenic for Hereditary spastic paraplegia 48. Last evaluated: 2024-05-31. Review status: criteria provided, single submitter. Criteria: Invitae Variant Classification Sherloc (09022015). Collection method: clinical testing. Allele origin: germline.
Comment: This sequence change creates a premature translational stop signal (p.Trp441*) in the AP5Z1 gene. It is expected to result in an absent or disrupted protein product. Loss-of-function variants in AP5Z1 are known to be pathogenic (PMID: 20613862, 27606357). The frequency data for this variant in the population databases is considered unreliable, as metrics indicate poor data quality at this position in the gnomAD database. This premature translational stop signal has been observed in individual(s) with spastic paraplegia (PMID: 24833714). ClinVar contains an entry for this variant (Variation ID: 375313). For these reasons, this variant has been classified as Pathogenic.

Blueprint Genetics
Classification: Likely pathogenic for AP5Z1-related disorders. Last evaluated: 2023-12-04. Review status: criteria provided, single submitter. Criteria: ACMG Guidelines, 2015. Collection method: clinical testing. Allele origin: germline. Affected: yes. Observed: 2 variant alleles.

Baylor Genetics
Classification: Pathogenic for Hereditary spastic paraplegia 48. Last evaluated: 2021-05-28. Review status: criteria provided, single submitter. Criteria: ACMG Guidelines, 2015. Collection method: clinical testing. Allele origin: unknown.

Genome Diagnostics Laboratory, The Hospital for Sick Children
Classification: Pathogenic for Hereditary spastic paraplegia. Last evaluated: 2018-12-01. Review status: criteria provided, single submitter. Criteria: ACMG Guidelines, 2015. Collection method: clinical testing. Allele origin: germline. Affected: yes.

OMIM
Classification: Pathogenic for SPASTIC PARAPLEGIA 48, AUTOSOMAL RECESSIVE. Last evaluated: 2017-01-26. Review status: no assertion criteria provided. Collection method: literature only. Allele origin: germline. Not counted in ClinVar's aggregate classification.

Literature cited by the submitters: PubMed 20613862 (cited by Labcorp Genetics (formerly Invitae), Labcorp); PubMed 27606357 (cited by Labcorp Genetics (formerly Invitae), Labcorp); PubMed 24833714 (cited by Labcorp Genetics (formerly Invitae), Labcorp and OMIM).